The following is an entry in ClinVar:

ClinVar aggregate classification (germline): Uncertain significance (1 of 4 stars; one submission).

Conditions:
Alzheimer disease. Also called: Presenile and senile dementia; Alzheimer's disease. Identifiers: Orphanet 1020, MedGen C0002395, MeSH D000544, MONDO:0004975, HP:0002511.

gnomAD v4.1: 11 of 1,613,492 alleles (0.00068%); highest among the groups gnomAD compares: Middle Eastern, 0.033%; no homozygotes.

Submission:

Labcorp Genetics (formerly Invitae), Labcorp
Classification: Uncertain significance for Alzheimer disease. Last evaluated: 2025-07-06. Review status: criteria provided, single submitter. Criteria: Invitae Variant Classification Sherloc (09022015). Collection method: clinical testing. Allele origin: germline.
Comment: This sequence change replaces glutamic acid, which is acidic and polar, with glycine, which is neutral and non-polar, at codon 255 of the APP protein (p.Glu255Gly). This variant is present in population databases (rs746341405, gnomAD 0.0009%). This variant has not been reported in the literature in individuals affected with APP-related conditions. Invitae Evidence Modeling of protein sequence and biophysical properties (such as structural, functional, and spatial information, amino acid conservation, physicochemical variation, residue mobility, and thermodynamic stability) indicates that this missense variant is not expected to disrupt APP protein function with a negative predictive value of 95%. In summary, the available evidence is currently insufficient to determine the role of this variant in disease. Therefore, it has been classified as a Variant of Uncertain Significance.

NM_000484.4(APP):c.764A>G (p.Glu255Gly)

Gene: APP (amyloid beta precursor protein; minus strand). Cytogenetic location: 21q21.3.
Variant type: single nucleotide variant.
Coding change: c.764A>G on transcript NM_000484.4 (MANE Select); coding-DNA position 764, A replaced by G.
Protein change: p.Glu255Gly; replaces glutamic acid 255 with glycine.
Molecular consequence: missense variant.
Genome position (GRCh38, 1-based): chr21:26,021,941, T>C on the plus strand (A>G on the coding strand, the complement: APP is on the minus strand). VCF-style: chr21-26021941-T-C. GRCh37 (hg19) VCF-style: chr21-27394257-T-C.
Other names: c.749A>G, p.Glu250Gly (NM_001136016.3); c.596A>G, p.Glu199Gly (NM_001136129.3, NM_001136130.3); c.659A>G, p.Glu220Gly (NM_001136131.3); c.764A>G, p.Glu255Gly (NM_001204301.2, NM_001204302.2, NM_001204303.2 and 3 more transcripts); short protein forms E199G, E255G, E220G, E250G.
Identifiers: ClinVar variation 4709916 (VCV004709916.1).